The following is an entry in ClinVar:

ClinVar aggregate classification (germline): Uncertain significance. Review status: criteria provided, multiple submitters, no conflicts (2 of 4 stars). 2 submissions from 2 submitters: Uncertain significance (2). Last evaluated 2026-05-11.

Conditions:
Inborn genetic diseases. Identifiers: MedGen C0950123, MeSH D030342.

Allele frequency attached by ClinVar (database versions not stated): TOPMed 0.00005; gnomAD exomes 0.00002; gnomAD 0.00008.
gnomAD v4.1: 23 of 1,613,478 alleles (0.0014%); highest among the groups gnomAD compares: Admixed American, 0.038%; no homozygotes.

Submissions (2):

Ambry Genetics
Classification: Uncertain significance for Inborn genetic diseases. Last evaluated: 2026-05-11. Review status: criteria provided, single submitter. Criteria: Ambry Variant Classification Scheme 2023. Collection method: clinical testing. Allele origin: germline.

Labcorp Genetics (formerly Invitae), Labcorp
Classification: Uncertain significance. Last evaluated: 2022-05-30. Review status: criteria provided, single submitter. Criteria: Invitae Variant Classification Sherloc (09022015). Collection method: clinical testing. Allele origin: germline.
Comment: This sequence change replaces isoleucine, which is neutral and non-polar, with valine, which is neutral and non-polar, at codon 963 of the ABCB4 protein (p.Ile963Val). This variant is present in population databases (no rsID available, gnomAD 0.03%). This variant has not been reported in the literature in individuals affected with ABCB4-related conditions. Advanced modeling of protein sequence and biophysical properties (such as structural, functional, and spatial information, amino acid conservation, physicochemical variation, residue mobility, and thermodynamic stability) performed at Invitae indicates that this missense variant is expected to disrupt ABCB4 protein function. In summary, the available evidence is currently insufficient to determine the role of this variant in disease. Therefore, it has been classified as a Variant of Uncertain Significance.

NM_000443.4(ABCB4):c.2887A>G (p.Ile963Val)

Gene: ABCB4 (ATP binding cassette subfamily B member 4; minus strand). Cytogenetic location: 7q21.12.
Variant type: single nucleotide variant.
Coding change: c.2887A>G on transcript NM_000443.4 (MANE Select); coding-DNA position 2887, A replaced by G.
Protein change: p.Ile963Val; replaces isoleucine 963 with valine.
Molecular consequence: missense variant. On other transcripts: intron variant (1).
Genome position (GRCh38, 1-based): chr7:87,411,930, T>C on the plus strand (A>G on the coding strand, the complement: ABCB4 is on the minus strand). VCF-style: chr7-87411930-T-C. GRCh37 (hg19) VCF-style: chr7-87041246-T-C.
Other names: c.2887A>G, p.Ile963Val (NM_018849.3); c.2783+1687A>G (NM_018850.3); c.2887A>G (NM_000443.3); short protein forms I963V.
Identifiers: ClinVar variation 2168722 (VCV002168722.2), dbSNP rs1272458083, ClinGen allele CA368060527.